The following is an entry in ClinVar:

ClinVar aggregate classification (germline): Uncertain significance. Review status: criteria provided, multiple submitters, no conflicts (2 of 4 stars). 5 submissions from 4 submitters: Uncertain significance (5). Last evaluated 2025-09-22.

Conditions:
RASopathy. Also called: rasopathies; Noonan spectrum disorder. Identifiers: Orphanet 536391, MedGen C5555857, MONDO:0021060.
Cardiovascular phenotype. Identifiers: MedGen CN230736.
Noonan syndrome 4 (NS4). Also called: SOS1-Related Noonan Syndrome; NOONAN SYNDROME WITH PIGMENTED VILLONODULAR SYNOVITIS. Identifiers: Orphanet 648, MedGen C1853120, MONDO:0012547, OMIM 610733.
Fibromatosis, gingival, 1 (GINGF1). Identifiers: Orphanet 2024, MedGen C4551558, MONDO:0007609, OMIM 135300.

Allele frequency attached by ClinVar (database versions not stated): gnomAD exomes below 0.00001.
gnomAD v4.1: 5 of 1,610,386 alleles (0.00031%); highest among the groups gnomAD compares: Non-Finnish European, 0.00042%; no homozygotes.

Submissions (5):

GeneDx
Classification: Uncertain significance. Last evaluated: 2025-09-22. Review status: criteria provided, single submitter. Criteria: GeneDx Variant Classification Process June 2021. Collection method: clinical testing. Allele origin: germline. Affected: yes.
Comment: Has not been previously published as pathogenic or benign to our knowledge; Not observed at significant frequency in large population cohorts (gnomAD); Missense variants in this gene are a common cause of disease and they are underrepresented in the general population; In silico analysis suggests that this missense variant does not alter protein structure/function; This variant is associated with the following publications: (PMID: 29493581)

Labcorp Genetics (formerly Invitae), Labcorp
Classification: Uncertain significance for RASopathy. Last evaluated: 2023-01-07. Review status: criteria provided, single submitter. Criteria: Invitae Variant Classification Sherloc (09022015). Collection method: clinical testing. Allele origin: germline.
Comment: In summary, the available evidence is currently insufficient to determine the role of this variant in disease. Therefore, it has been classified as a Variant of Uncertain Significance. Algorithms developed to predict the effect of missense changes on protein structure and function (SIFT, PolyPhen-2, Align-GVGD) all suggest that this variant is likely to be tolerated. ClinVar contains an entry for this variant (Variation ID: 1311640). This variant has not been reported in the literature in individuals affected with SOS1-related conditions. This variant is not present in population databases (gnomAD no frequency). This sequence change replaces leucine, which is neutral and non-polar, with valine, which is neutral and non-polar, at codon 831 of the SOS1 protein (p.Leu831Val).

Ambry Genetics
Classification: Uncertain significance for Cardiovascular phenotype. Last evaluated: 2021-04-05. Review status: criteria provided, single submitter. Criteria: Ambry Variant Classification Scheme 2023. Collection method: clinical testing. Allele origin: germline.
Comment: The p.L831V variant (also known as c.2491C>G), located in coding exon 15 of the SOS1 gene, results from a C to G substitution at nucleotide position 2491. The leucine at codon 831 is replaced by valine, an amino acid with highly similar properties. This amino acid position is highly conserved in available vertebrate species. In addition, the in silico prediction for this alteration is inconclusive. Since supporting evidence is limited at this time, the clinical significance of this alteration remains unclear.

Genome-Nilou Lab
Classification: Uncertain significance for Noonan syndrome 4. Review status: criteria provided, single submitter. Criteria: ACMG Guidelines, 2015. Collection method: clinical testing. Allele origin: germline.

Genome-Nilou Lab
Classification: Uncertain significance for Fibromatosis, gingival, 1. Review status: criteria provided, single submitter. Criteria: ACMG Guidelines, 2015. Collection method: clinical testing. Allele origin: germline.

NM_005633.4(SOS1):c.2491C>G (p.Leu831Val)

Gene: SOS1 (SOS Ras/Rac guanine nucleotide exchange factor 1; minus strand). Cytogenetic location: 2p22.1.
Variant type: single nucleotide variant.
Coding change: c.2491C>G on transcript NM_005633.4 (MANE Select); coding-DNA position 2491, C replaced by G.
Protein change: p.Leu831Val; replaces leucine 831 with valine.
Molecular consequence: missense variant.
Genome position (GRCh38, 1-based): chr2:39,010,603, G>C on the plus strand (C>G on the coding strand, the complement: SOS1 is on the minus strand). VCF-style: chr2-39010603-G-C. GRCh37 (hg19) VCF-style: chr2-39237744-G-C.
Other names: c.2470C>G, p.Leu824Val (NM_001382394.1); c.2491C>G, p.Leu831Val (NM_001382395.1); short protein forms L824V, L831V.
Identifiers: ClinVar variation 1311640 (VCV001311640.9), dbSNP rs2124511437, ClinGen allele CA346363742.